The following is an entry in ClinVar:

ClinVar aggregate classification (germline): Uncertain significance (1 of 4 stars; one submission).

Conditions:
Fanconi anemia (FA). Also called: Fanconi's anemia. Identifiers: Orphanet 84, MedGen C0015625, MeSH D005199, MONDO:0019391.

Allele frequency attached by ClinVar (database versions not stated): gnomAD exomes below 0.00001.
gnomAD v4.1: 2 of 1,612,616 alleles (0.00012%); highest among the groups gnomAD compares: Non-Finnish European, 0.00017%; no homozygotes.

Submission:

Labcorp Genetics (formerly Invitae), Labcorp
Classification: Uncertain significance for Fanconi anemia. Last evaluated: 2021-08-30. Review status: criteria provided, single submitter. Criteria: Invitae Variant Classification Sherloc (09022015). Collection method: clinical testing. Allele origin: germline.
Comment: This sequence change replaces tryptophan with arginine at codon 341 of the FANCL protein (p.Trp341Arg). The tryptophan residue is highly conserved and there is a moderate physicochemical difference between tryptophan and arginine. This variant is not present in population databases (ExAC no frequency). This missense change has been observed in individual(s) with clinical features of Fanconi anemia (PMID: 26740942). Algorithms developed to predict the effect of missense changes on protein structure and function (SIFT, PolyPhen-2, Align-GVGD) all suggest that this variant is likely to be disruptive. In summary, the available evidence is currently insufficient to determine the role of this variant in disease. Therefore, it has been classified as a Variant of Uncertain Significance.

Literature cited by the submitters: PubMed 26740942.

NM_018062.4(FANCL):c.1021T>A (p.Trp341Arg)

Gene: FANCL (FA complementation group L; minus strand). Cytogenetic location: 2p16.1.
Variant type: single nucleotide variant.
Coding change: c.1021T>A on transcript NM_018062.4 (MANE Select); coding-DNA position 1021, T replaced by A.
Protein change: p.Trp341Arg; replaces tryptophan 341 with arginine.
Molecular consequence: missense variant.
Genome position (GRCh38, 1-based): chr2:58,160,179, A>T on the plus strand (T>A on the coding strand, the complement: FANCL is on the minus strand). VCF-style: chr2-58160179-A-T. GRCh37 (hg19) VCF-style: chr2-58387314-A-T.
Other names: c.1036T>A, p.Trp346Arg (NM_001114636.2); c.1066T>A, p.Trp356Arg (NM_001374615.1); c.1081T>A, p.Trp361Arg (NM_001410792.1); short protein forms W346R, W341R, W356R, W361R.
Identifiers: ClinVar variation 1035033 (VCV001035033.6), dbSNP rs1558727863, ClinGen allele CA346931521.